The following is an entry in ClinVar:

NM_198253.3(TERT):c.923del (p.Pro308fs)

Gene: TERT (telomerase reverse transcriptase; minus strand). Cytogenetic location: 5p15.33.
Variant type: Deletion.
Coding change: c.923del on transcript NM_198253.3 (MANE Select); coding-DNA position 923, one base deleted (C; older notation c.923delC).
Protein change: p.Pro308fs; shifts the reading frame from proline 308.
Molecular consequence: frameshift variant. On other transcripts: non-coding transcript variant (2).
Genome position (GRCh38, 1-based): chr5:1,293,963, G deleted on the plus strand (C on the coding strand, the reverse complement: TERT is on the minus strand); the first of 6 consecutive G bases (chr5:1,293,963-1,293,968); deleting any one gives the same sequence. VCF-style (leftmost placement, unchanged base first): chr5-1293962-TG-T. GRCh37 (hg19) VCF-style: chr5-1294077-TG-T.
Other names: c.923del, p.Pro308fs (NM_001193376.3); c.918delC, p.Pro308Hisfs (NM_003219.1); c.923delC (NM_198253.2); short protein forms P308fs.
Identifiers: ClinVar variation 2928164 (VCV002928164.4), dbSNP rs1191885727, ClinGen allele CA2673080631.

ClinVar aggregate classification (germline): Pathogenic. Review status: criteria provided, multiple submitters, no conflicts (2 of 4 stars). 2 submissions from 2 submitters: Pathogenic (2). Last evaluated 2024-12-11.

Conditions:
Dyskeratosis congenita, autosomal dominant 2. Identifiers: MedGen C3151443, MONDO:0013521, OMIM 613989.
Idiopathic Pulmonary Fibrosis. Also called: Idiopathic fibrosing alveolitis, chronic form; idiopathic fibrosing alveolitis. Identifiers: Orphanet 2032, MedGen C1800706, MeSH D054990, MONDO:0800504.
Dyskeratosis congenita. Identifiers: Orphanet 1775, MedGen C0265965, MONDO:0015780.

Submissions (2):

Ambry Genetics
Classification: Pathogenic for Dyskeratosis congenita. Last evaluated: 2024-12-11. Review status: criteria provided, single submitter. Criteria: Ambry Variant Classification Scheme 2023. Collection method: clinical testing. Allele origin: germline.
Comment: The c.923delC pathogenic mutation, located in coding exon 2 of the TERT gene, results from a deletion of one nucleotide at nucleotide position 923, causing a translational frameshift with a predicted alternate stop codon (p.P308Hfs*43). This alteration (designated as P308Hfs*43) was identified as germline in a patient with pancreatic cancer. This individual had no reported no features of a telomere syndrome although telomere length was unable to be assessed (Walsh MF et al. JCO Precis Oncol, 2019 Oct;3:). This alteration is expected to result in loss of function by premature protein truncation or nonsense-mediated mRNA decay. As such, this alteration is interpreted as a disease-causing mutation.

Labcorp Genetics (formerly Invitae), Labcorp
Classification: Pathogenic for Dyskeratosis congenita, autosomal dominant 2; Idiopathic Pulmonary Fibrosis. Last evaluated: 2023-11-17. Review status: criteria provided, single submitter. Criteria: Invitae Variant Classification Sherloc (09022015). Collection method: clinical testing. Allele origin: germline.
Comment: This sequence change creates a premature translational stop signal (p.Pro308Hisfs*43) in the TERT gene. It is expected to result in an absent or disrupted protein product. Loss-of-function variants in TERT are known to be pathogenic (PMID: 16247010, 17460043). This variant is not present in population databases (gnomAD no frequency). This variant has not been reported in the literature in individuals affected with TERT-related conditions. For these reasons, this variant has been classified as Pathogenic.

Literature cited by the submitters: PubMed 32923861 (cited by Ambry Genetics); PubMed 16247010 (cited by Labcorp Genetics (formerly Invitae), Labcorp); PubMed 17460043 (cited by Labcorp Genetics (formerly Invitae), Labcorp).